The following is an entry in ClinVar:

ClinVar aggregate classification (germline): Likely pathogenic (1 of 4 stars; one submission).

Submission:

GeneDx
Classification: Likely pathogenic. Last evaluated: 2017-01-20. Review status: criteria provided, single submitter. Criteria: GeneDx Variant Classification (06012015). Collection method: clinical testing. Allele origin: germline. Affected: yes.
Comment: The S510P variant in the HUWE1 gene has not been reported previously as a pathogenic variant, nor as a benign variant, to our knowledge. The S510P variant was not observed in approximately 6500 individuals of European and African American ancestry in the NHLBI Exome Sequencing Project, indicating it is not a common benign variant in these populations. The S510P variant is a non-conservative amino acid substitution, which is likely to impact secondary protein structure as these residues differ in polarity, charge, size and/or other properties. This substitution occurs at a position that is conserved across species and in silico analysis predicts this variant is probably damaging to the protein structure/function. Therefore, we interpret S510P as a likely pathogenic variant.

NM_031407.7(HUWE1):c.1528T>C (p.Ser510Pro)

Gene: HUWE1 (HECT, UBA and WWE domain containing E3 ubiquitin protein ligase 1; minus strand). Cytogenetic location: Xp11.22.
Variant type: single nucleotide variant.
Coding change: c.1528T>C on transcript NM_031407.7 (MANE Select); coding-DNA position 1528, T replaced by C.
Protein change: p.Ser510Pro; replaces serine 510 with proline.
Molecular consequence: missense variant.
Genome position (GRCh38, 1-based): chrX:53,625,220, A>G on the plus strand (T>C on the coding strand, the complement: HUWE1 is on the minus strand). VCF-style: chrX-53625220-A-G. GRCh37 (hg19) VCF-style: chrX-53652181-A-G.
Other names: short protein forms S510P.
Identifiers: ClinVar variation 392615 (VCV000392615.2), dbSNP rs1057524560, ClinGen allele CA16608538.